The following is an entry in ClinVar:

NM_007289.4(MME):c.2010C>T (p.Gly670=)

Gene: MME (membrane metalloendopeptidase; plus strand). Cytogenetic location: 3q25.2.
Variant type: single nucleotide variant.
Coding change: c.2010C>T on transcript NM_007289.4 (MANE Select); coding-DNA position 2010, C replaced by T.
Protein change: p.Gly670=; no amino-acid change (glycine 670 retained).
Molecular consequence: synonymous variant.
Genome position (GRCh38, 1-based): chr3:155,172,146, C>T. VCF-style: chr3-155172146-C-T. GRCh37 (hg19) VCF-style: chr3-154889935-C-T.
Other names: c.2010C>T, p.Gly670= (NM_000902.5, NM_001354642.2, NM_001354643.1 and 2 more transcripts).
Identifiers: ClinVar variation 1514599 (VCV001514599.11), dbSNP rs201494121, ClinGen allele CA2675722.

ClinVar aggregate classification (germline): Conflicting classifications of pathogenicity. Review status: criteria provided, conflicting classifications (1 of 4 stars). 4 submissions from 4 submitters: Uncertain significance (1); Likely benign (3). Last evaluated 2026-06-23.

Allele frequency attached by ClinVar (database versions not stated): ExAC 0.00005; gnomAD 0.00005; gnomAD exomes 0.00006; 1000 Genomes Project 0.00020; 1000 Genomes Project 30x 0.00031.
gnomAD v4.1: 74 of 1,609,264 alleles (0.0046%); highest among the groups gnomAD compares: Middle Eastern, 0.05%; no homozygotes.

Submissions (5):

Women's Health and Genetics/Laboratory Corporation of America, LabCorp
Classification: Likely benign. Last evaluated: 2026-06-23. Review status: criteria provided, single submitter. Criteria: LabCorp Variant Classification Summary - May 2015. Collection method: clinical testing. Allele origin: germline.

CeGaT Center for Human Genetics Tuebingen
Classification: Likely benign. Last evaluated: 2026-06-01. Review status: criteria provided, single submitter. Criteria: CeGaT Center For Human Genetics Tuebingen Variant Classification Criteria Version 2. Collection method: clinical testing. Allele origin: germline. Affected: yes. Observed: 1 variant allele.
Comment: MME: BP4, BP7

Labcorp Genetics (formerly Invitae), Labcorp
Classification: Likely benign. Last evaluated: 2025-04-03. Review status: criteria provided, single submitter. Criteria: Invitae Variant Classification Sherloc (09022015). Collection method: clinical testing. Allele origin: germline.

Breakthrough Genomics
Classification: Uncertain significance. Review status: criteria provided, single submitter. Criteria: ACMG Guidelines, 2015. Collection method: not provided. Allele origin: germline. Inheritance: Autosomal recessive inheritance. Affected: yes.

Dr. Peter K. Rogan Lab, Western University
No classification provided (evidence only). Condition: Familial cancer of breast. Review status: no classification provided. Collection method: in vitro. Allele origin: not applicable. Functional consequence: skipped exon. Not counted in ClinVar's aggregate classification.